The following is an entry in ClinVar:

NM_007215.4(POLG2):c.103G>A (p.Glu35Lys)

Genes: MILR1 (mast cell immunoglobulin like receptor 1; plus strand), POLG2 (DNA polymerase gamma 2, accessory subunit; minus strand). Cytogenetic location: 17q23.3.
Variant type: single nucleotide variant.
Coding change: c.103G>A on transcript NM_007215.4 (MANE Select); coding-DNA position 103, G replaced by A.
Protein change: p.Glu35Lys; replaces glutamic acid 35 with lysine.
Molecular consequence: missense variant.
Genome position (GRCh38, 1-based): chr17:64,496,866, C>T on the plus strand (G>A on the coding strand, the complement: POLG2 is on the minus strand). VCF-style: chr17-64496866-C-T. GRCh37 (hg19) VCF-style: chr17-62492984-C-T.
Other names: c.103G>A (NM_007215.3); short protein forms E35K.
Identifiers: ClinVar variation 1983081 (VCV001983081.5), dbSNP rs1355755451, ClinGen allele CA400641644.

ClinVar aggregate classification (germline): Uncertain significance. Review status: criteria provided, multiple submitters, no conflicts (2 of 4 stars). 2 submissions from 2 submitters: Uncertain significance (2). Last evaluated 2024-10-23.

Allele frequency attached by ClinVar (database versions not stated): TOPMed below 0.00001; gnomAD exomes 0.00001.
gnomAD v4.1: 5 of 1,613,792 alleles (0.00031%); highest among the groups gnomAD compares: Admixed American, 0.0017%; no homozygotes.

Submissions (2):

Labcorp Genetics (formerly Invitae), Labcorp
Classification: Uncertain significance. Last evaluated: 2024-10-23. Review status: criteria provided, single submitter. Criteria: Invitae Variant Classification Sherloc (09022015). Collection method: clinical testing. Allele origin: germline.
Comment: This sequence change replaces glutamic acid, which is acidic and polar, with lysine, which is basic and polar, at codon 35 of the POLG2 protein (p.Glu35Lys). This variant is present in population databases (no rsID available, gnomAD 0.003%). This variant has not been reported in the literature in individuals affected with POLG2-related conditions. ClinVar contains an entry for this variant (Variation ID: 1983081). An algorithm developed to predict the effect of missense changes on protein structure and function outputs the following: PolyPhen-2: "Benign". The lysine amino acid residue is found in multiple mammalian species, which suggests that this missense change does not adversely affect protein function. In summary, the available evidence is currently insufficient to determine the role of this variant in disease. Therefore, it has been classified as a Variant of Uncertain Significance.

Ambry Genetics
Classification: Uncertain significance. Last evaluated: 2024-04-24. Review status: criteria provided, single submitter. Criteria: Ambry Variant Classification Scheme 2023. Collection method: clinical testing. Allele origin: germline.